The following is an entry in ClinVar:

ClinVar aggregate classification (germline): Uncertain significance. Review status: criteria provided, multiple submitters, no conflicts (2 of 4 stars). 4 submissions from 4 submitters: Uncertain significance (4). Last evaluated 2025-06-12.

Conditions:
2-aminoadipic 2-oxoadipic aciduria (AAKAD). Also called: ALPHA-AMINOADIPIC AND ALPHA-KETOADIPIC ACIDURIA; Aminoadipic aciduria. Identifiers: Orphanet 79154, MedGen C1859817, MONDO:0008774, OMIM 204750.
Inborn genetic diseases. Identifiers: MedGen C0950123, MeSH D030342.

Allele frequency attached by ClinVar (database versions not stated): gnomAD exomes below 0.00001 and 0.00002; ExAC 0.00003; gnomAD 0.00004; TOPMed 0.00006; 1000 Genomes Project 0.00020; 1000 Genomes Project 30x 0.00031.

Submissions (4):

Labcorp Genetics (formerly Invitae), Labcorp
Classification: Uncertain significance for 2-aminoadipic 2-oxoadipic aciduria. Last evaluated: 2025-06-12. Review status: criteria provided, single submitter. Criteria: Invitae Variant Classification Sherloc (09022015). Collection method: clinical testing. Allele origin: germline.
Comment: This sequence change replaces histidine, which is basic and polar, with tyrosine, which is neutral and polar, at codon 747 of the DHTKD1 protein (p.His747Tyr). This variant is present in population databases (rs539692445, gnomAD 0.02%). This variant has not been reported in the literature in individuals affected with DHTKD1-related conditions. ClinVar contains an entry for this variant (Variation ID: 439596). Invitae Evidence Modeling of protein sequence and biophysical properties (such as structural, functional, and spatial information, amino acid conservation, physicochemical variation, residue mobility, and thermodynamic stability) indicates that this missense variant is expected to disrupt DHTKD1 protein function with a positive predictive value of 80%. In summary, the available evidence is currently insufficient to determine the role of this variant in disease. Therefore, it has been classified as a Variant of Uncertain Significance.

Women's Health and Genetics/Laboratory Corporation of America, LabCorp
Classification: Uncertain significance. Last evaluated: 2025-03-26. Review status: criteria provided, single submitter. Criteria: LabCorp Variant Classification Summary - May 2015. Collection method: clinical testing. Allele origin: germline.
Comment: Variant summary: DHTKD1 c.2239C>T (p.His747Tyr) results in a conservative amino acid change in the encoded protein sequence. Four of five in-silico tools predict a damaging effect of the variant on protein function. The variant allele was found at a frequency of 1.6e-05 in 251170 control chromosomes. The available data on variant occurrences in the general population are insufficient to allow any conclusion about variant significance. To our knowledge, no occurrence of c.2239C>T in individuals affected with 2-aminoadipic 2-oxoadipic aciduria and no experimental evidence demonstrating its impact on protein function have been reported. ClinVar contains an entry for this variant (Variation ID: 439596). Based on the evidence outlined above, the variant was classified as uncertain significance.

Ambry Genetics
Classification: Uncertain significance for Inborn genetic diseases. Last evaluated: 2023-12-31. Review status: criteria provided, single submitter. Criteria: Ambry Variant Classification Scheme 2023. Collection method: clinical testing. Allele origin: germline.

ARUP Laboratories, Molecular Genetics and Genomics, ARUP Laboratories
Classification: Uncertain significance. Last evaluated: 2016-09-14. Review status: criteria provided, single submitter. Criteria: ARUP Molecular Germline Variant Investigation Process. Collection method: clinical testing. Allele origin: germline.

NM_018706.7(DHTKD1):c.2239C>T (p.His747Tyr)

Gene: DHTKD1 (dehydrogenase E1 and transketolase domain containing 1; plus strand). Cytogenetic location: 10p14.
Variant type: single nucleotide variant.
Coding change: c.2239C>T on transcript NM_018706.7 (MANE Select); coding-DNA position 2239, C replaced by T.
Protein change: p.His747Tyr; replaces histidine 747 with tyrosine.
Molecular consequence: missense variant.
Genome position (GRCh38, 1-based): chr10:12,112,984, C>T. VCF-style: chr10-12112984-C-T. GRCh37 (hg19) VCF-style: chr10-12154983-C-T.
Other names: c.2239C>T (NM_018706.5); short protein forms H747Y.
Identifiers: ClinVar variation 439596 (VCV000439596.14), dbSNP rs539692445, ClinGen allele CA5408180.
Genomic context (GRCh38, chr10:12,112,984, plus strand): 5'-GTGGACGGAGACACTGTGAACATGTTTGTGGTTCACCCAACAACTCCTGCACAGTATTTC[C>T]ACTTGCTTAGGAGACAGATGGTCCGGAACTTCAGAAAACCACTCATTGTTGCTTCCCCTA-3'
Protein context (NP_061176.4, residues 737-757): VHPTTPAQYF[His747Tyr]LLRRQMVRNF